The following is an entry in ClinVar:

ClinVar aggregate classification (germline): Benign. Review status: criteria provided, multiple submitters, no conflicts (2 of 4 stars). 4 submissions from 4 submitters: Benign (3). 1 of the submissions does not count toward it. Last evaluated 2025-03-04.

Conditions:
SDHD-related disorder. Also called: SDHD-related condition.

Allele frequency attached by ClinVar (database versions not stated): gnomAD exomes 0.00184 and 0.00192; ExAC 0.00260; gnomAD 0.02683 and 0.02846; TOPMed 0.02806; 1000 Genomes Project 0.02915; 1000 Genomes Project 30x 0.03107.
gnomAD v4.1: 3,927 of 312,158 alleles (1.3%); highest among the groups gnomAD compares: African/African-American, 9.5%; 167 homozygotes.

Submissions (4):

Center for Genomic Medicine, Rigshospitalet, Copenhagen University Hospital
Classification: Benign. Last evaluated: 2025-03-04. Review status: criteria provided, single submitter. Criteria: ACMG Guidelines, 2015. Collection method: clinical testing. Allele origin: germline.

GeneDx
Classification: Benign. Last evaluated: 2018-06-30. Review status: criteria provided, single submitter. Criteria: GeneDx Variant Classification Process June 2021. Collection method: clinical testing. Allele origin: germline. Affected: yes.

Breakthrough Genomics
Classification: Benign. Review status: criteria provided, single submitter. Criteria: ACMG Guidelines, 2015. Collection method: not provided. Allele origin: germline. Inheritance: Autosomal recessive inheritance. Affected: yes.

PreventionGenetics, part of Exact Sciences
Classification: Benign for SDHD-related condition. Last evaluated: 2019-03-19. Review status: no assertion criteria provided. Collection method: clinical testing. Allele origin: germline. Not counted in ClinVar's aggregate classification.
Comment: This variant is classified as benign based on ACMG/AMP sequence variant interpretation guidelines (Richards et al. 2015 PMID: 25741868, with internal and published modifications).

NM_003002.4(SDHD):c.315-1708C>T

Gene: SDHD (succinate dehydrogenase complex subunit D; plus strand). Cytogenetic location: 11q23.1.
Variant type: single nucleotide variant.
Coding change: c.315-1708C>T on transcript NM_003002.4 (MANE Select); 1708 bases into the intron before coding-DNA position 315, C replaced by T.
Molecular consequence: intron variant. On other transcripts: missense variant (1).
Genome position (GRCh38, 1-based): chr11:112,093,097, C>T. VCF-style: chr11-112093097-C-T. GRCh37 (hg19) VCF-style: chr11-111963821-C-T.
Other names: c.332C>T, p.Ala111Val (NM_001276506.2); c.170-1708C>T (NM_001276503.2); c.198-1708C>T (NM_001276504.2); c.332C>T (NM_001276506.1); short protein forms A111V.
Identifiers: ClinVar variation 1257571 (VCV001257571.7), dbSNP rs113458823, ClinGen allele CA071171.